The following is an entry in ClinVar:

ClinVar aggregate classification (germline): Uncertain significance (1 of 4 stars; one submission).

Conditions:
Shprintzen-Goldberg syndrome (SGS). Also called: SHPRINTZEN-GOLDBERG CRANIOSYNOSTOSIS SYNDROME; CRANIOSYNOSTOSIS WITH ARACHNODACTYLY AND ABDOMINAL HERNIAS; Marfanoid disorder with craniosynostosis type 1; Marfanoid craniosynostosis syndrome; Shprintzen-Goldberg marfanoid syndrome. Identifiers: Orphanet 2462, MedGen C1321551, MONDO:0008426, OMIM 182212.

gnomAD v4.1: 1 of 1,613,784 alleles (0.000062%); highest among the groups gnomAD compares: South Asian, 0.0011%; no homozygotes.

Submission:

Labcorp Genetics (formerly Invitae), Labcorp
Classification: Uncertain significance for Shprintzen-Goldberg syndrome. Last evaluated: 2021-10-12. Review status: criteria provided, single submitter. Criteria: Invitae Variant Classification Sherloc (09022015). Collection method: clinical testing. Allele origin: germline.
Comment: This variant is not present in population databases (ExAC no frequency). In summary, the available evidence is currently insufficient to determine the role of this variant in disease. Therefore, it has been classified as a Variant of Uncertain Significance. Advanced modeling of protein sequence and biophysical properties (such as structural, functional, and spatial information, amino acid conservation, physicochemical variation, residue mobility, and thermodynamic stability) performed at Invitae indicates that this missense variant is not expected to disrupt SKI protein function. This variant has not been reported in the literature in individuals affected with SKI-related conditions. This sequence change replaces arginine with glycine at codon 373 of the SKI protein (p.Arg373Gly). The arginine residue is moderately conserved and there is a moderate physicochemical difference between arginine and glycine.

NM_003036.4(SKI):c.1117C>G (p.Arg373Gly)

Gene: SKI (SKI proto-oncogene; plus strand). Cytogenetic location: 1p36.32.
Variant type: single nucleotide variant.
Coding change: c.1117C>G on transcript NM_003036.4 (MANE Select); coding-DNA position 1117, C replaced by G.
Protein change: p.Arg373Gly; replaces arginine 373 with glycine.
Molecular consequence: missense variant.
Genome position (GRCh38, 1-based): chr1:2,303,306, C>G. VCF-style: chr1-2303306-C-G. GRCh37 (hg19) VCF-style: chr1-2234745-C-G.
Other names: short protein forms R373G.
Identifiers: ClinVar variation 1420446 (VCV001420446.6), dbSNP rs749507746, ClinGen allele CA337954370.